The following is an entry in ClinVar:

ClinVar aggregate classification (germline): Pathogenic (1 of 4 stars; one submission).

Submission:

Labcorp Genetics (formerly Invitae), Labcorp
Classification: Pathogenic. Last evaluated: 2023-08-16. Review status: criteria provided, single submitter. Criteria: Invitae Variant Classification Sherloc (09022015). Collection method: clinical testing. Allele origin: germline.
Comment: This variant is not present in population databases (gnomAD no frequency). This sequence change creates a premature translational stop signal (p.Trp205*) in the LIFR gene. It is expected to result in an absent or disrupted protein product. Loss-of-function variants in LIFR are known to be pathogenic (PMID: 14740318). This variant has not been reported in the literature in individuals affected with LIFR-related conditions. For these reasons, this variant has been classified as Pathogenic.

Literature cited by the submitters: PubMed 14740318.

NM_001127671.2(LIFR):c.614G>A (p.Trp205Ter)

Gene: LIFR (LIF receptor subunit alpha; minus strand). Cytogenetic location: 5p13.1.
Variant type: single nucleotide variant.
Coding change: c.614G>A on transcript NM_001127671.2 (MANE Select); coding-DNA position 614, G replaced by A.
Protein change: p.Trp205Ter; replaces tryptophan 205 with a stop codon.
Molecular consequence: nonsense.
Genome position (GRCh38, 1-based): chr5:38,511,912, C>T on the plus strand (G>A on the coding strand, the complement: LIFR is on the minus strand). VCF-style: chr5-38511912-C-T. GRCh37 (hg19) VCF-style: chr5-38512014-C-T.
Other names: c.614G>A, p.Trp205Ter (NM_001364297.2, NM_001364298.2, NM_002310.6); short protein forms W205*.
Identifiers: ClinVar variation 2752970 (VCV002752970.3), dbSNP rs2531071794, ClinGen allele CA359547942.